The following is an entry in ClinVar:

NM_138477.4(CDAN1):c.3136G>A (p.Glu1046Lys)

Gene: CDAN1 (codanin 1; minus strand). Cytogenetic location: 15q15.2.
Variant type: single nucleotide variant.
Coding change: c.3136G>A on transcript NM_138477.4 (MANE Select); coding-DNA position 3136, G replaced by A.
Protein change: p.Glu1046Lys; replaces glutamic acid 1046 with lysine.
Molecular consequence: missense variant.
Genome position (GRCh38, 1-based): chr15:42,726,378, C>T on the plus strand (G>A on the coding strand, the complement: CDAN1 is on the minus strand). VCF-style: chr15-42726378-C-T. GRCh37 (hg19) VCF-style: chr15-43018576-C-T.
Other names: p.Glu1046Lys; short protein forms E1046K.
Identifiers: ClinVar variation 2683288 (VCV002683288.5), dbSNP rs772114869, ClinGen allele CA7515267.

ClinVar aggregate classification (germline): Uncertain significance. Review status: criteria provided, multiple submitters, no conflicts (2 of 4 stars). 3 submissions from 3 submitters: Uncertain significance (3). Last evaluated 2025-09-30.

Conditions:
Anemia, congenital dyserythropoietic, type 1a (CDAN1A). Also called: DYSERYTHROPOIETIC ANEMIA, CONGENITAL, TYPE Ia; CDAN1-Related Congenital Dyserythropoietic Anemia. Identifiers: MedGen C5574667, MONDO:0009135, OMIM 224120.

Allele frequency attached by ClinVar (database versions not stated): TOPMed below 0.00001; ExAC 0.00002.
gnomAD v4.1: 10 of 1,599,230 alleles (0.00063%); highest among the groups gnomAD compares: South Asian, 0.0023%; no homozygotes.

Submissions (3):

Victorian Clinical Genetics Services, Murdoch Childrens Research Institute
Classification: Uncertain significance for Anemia, congenital dyserythropoietic, type 1a. Last evaluated: 2025-09-30. Review status: criteria provided, single submitter. Criteria: ACMG Guidelines, 2015. Collection method: clinical testing. Allele origin: germline. Affected: yes.
Comment: This variant is classified as VUS-3B. Evidence in support of pathogenic classification: Variant is present in gnomAD <0.01 for a recessive condition (v4: 10 heterozygote(s), 0 homozygote(s)). Additional information: Variant is predicted to result in a missense amino acid change from Glu to Lys; This variant is heterozygous; This gene is associated with autosomal recessive disease; Previous evidence of pathogenicity for this variant is inconclusive. This variant has been classified as a VUS by clinical laboratories (ClinVar); No published evidence of segregation with disease has been identified for this variant; No published functional evidence has been identified for this variant; No comparable missense variants have previous evidence for pathogenicity; Variant is not located in an established domain, motif, hotspot or informative constraint region; Missense variant with inconclusive in silico prediction and/or uninformative conservation; Loss of function is a known mechanism of disease in this gene and is associated with congenital dyserythropoietic anaemia, type Ia (MIM#224120); Variants in this gene are known to have variable expressivity. Marked clinical variability has been observed in individuals with the same variant (PMID: 20301759).

Revvity Omics, Revvity
Classification: Uncertain significance for Anemia, congenital dyserythropoietic, type 1a. Last evaluated: 2023-05-22. Review status: criteria provided, single submitter. Criteria: ACMG Guidelines, 2015. Collection method: clinical testing. Allele origin: germline.

Mayo Clinic Laboratories, Mayo Clinic
Classification: Uncertain significance. Last evaluated: 2023-02-20. Review status: criteria provided, single submitter. Criteria: ACMG Guidelines, 2015. Collection method: clinical testing. Allele origin: germline. Observed: 1 variant allele.
Comment: PM2

Literature cited by the submitters: PubMed 20301759 (cited by Victorian Clinical Genetics Services, Murdoch Childrens Research Institute).